The following is an entry in ClinVar:

ClinVar aggregate classification (germline): Uncertain significance. Review status: criteria provided, multiple submitters, no conflicts (2 of 4 stars). 2 submissions from 2 submitters: Uncertain significance (2). Last evaluated 2026-03-04.

gnomAD v4.1: 1 of 1,604,450 alleles (0.000062%); no homozygotes.

Submissions (2):

GeneDx
Classification: Uncertain significance. Last evaluated: 2026-03-04. Review status: criteria provided, single submitter. Criteria: GeneDx Variant Classification Process June 2021. Collection method: clinical testing. Allele origin: germline.
Comment: Not observed at significant frequency in large population cohorts (gnomAD); In silico analysis suggests that this missense variant does not alter protein structure/function; Has not been previously published as pathogenic or benign to our knowledge

Dasa
Classification: Uncertain significance. Last evaluated: 2024-10-09. Review status: criteria provided, single submitter. Criteria: DASA Assertion Criteria. Collection method: clinical testing. Allele origin: germline.
Comment: NM_020822.3(KCNT1):c.3614C>T (p.Ala1205Val) is a missense variant that results in the substitution of alanine with valine. This variant is rare in population databases. Computational prediction algorithms are consistent with a benign effect. The currently available literature and clinical evidence are not sufficient to establish a definitive association between this variant and the reported condition. Therefore, this variant is classified as a variant of uncertain significance.

NM_020822.3(KCNT1):c.3614C>T (p.Ala1205Val)

Gene: KCNT1 (potassium sodium-activated channel subfamily T member 1; plus strand). Cytogenetic location: 9q34.3.
Variant type: single nucleotide variant.
Coding change: c.3614C>T on transcript NM_020822.3 (MANE Select); coding-DNA position 3614, C replaced by T.
Protein change: p.Ala1205Val; replaces alanine 1205 with valine.
Molecular consequence: missense variant.
Genome position (GRCh38, 1-based): chr9:135,792,067, C>T. VCF-style: chr9-135792067-C-T. GRCh37 (hg19) VCF-style: chr9-138683913-C-T.
Other names: c.3614C>T (NM_020822.2); c.3542C>T, p.Ala1181Val (NM_001272003.2); short protein forms A1181V, A1205V.
Identifiers: ClinVar variation 4881515 (VCV004881515.3).